The following is an entry in ClinVar:

ClinVar aggregate classification (germline): Uncertain significance (1 of 4 stars; one submission).

Submission:

Labcorp Genetics (formerly Invitae), Labcorp
Classification: Uncertain significance. Last evaluated: 2025-10-23. Review status: criteria provided, single submitter. Criteria: Invitae Variant Classification Sherloc (09022015). Collection method: clinical testing. Allele origin: germline.
Comment: This sequence change affects the initiator codon of the TNFRSF6B mRNA. This change may impact translation initiation or efficiency. The next in-frame methionine is located at codon 285. This variant is not present in population databases (gnomAD no frequency). This variant has not been reported in the literature in individuals affected with TNFRSF6B-related conditions. Experimental studies and prediction algorithms are not available or were not evaluated, and the functional significance of this variant is currently unknown. In summary, the available evidence is currently insufficient to determine the role of this variant in disease. Therefore, it has been classified as a Variant of Uncertain Significance.

NM_003823.4(TNFRSF6B):c.-53_167del (p.Met1fs)

Genes: TNFRSF6B (TNF receptor superfamily member 6b; plus strand), RTEL1-TNFRSF6B (RTEL1-TNFRSF6B readthrough (NMD candidate); plus strand). Cytogenetic location: 20q13.33.
Variant type: Deletion.
Coding change: c.-53_167del on transcript NM_003823.4 (MANE Select); 53 bases upstream of the start codon through coding-DNA position 167, 220 bases deleted.
Protein change: p.Met1fs; shifts the reading frame from methionine 1.
Molecular consequence: frameshift variant, initiator codon variant.
Genome position (GRCh38, 1-based): chr20:63,696,715-63,696,934, 220 bases deleted. GRCh37 (hg19): chr20:62,328,068-62,328,287.
Other names: short protein forms M1fs.
Identifiers: ClinVar variation 3654138 (VCV003654138.2).